The following is an entry in ClinVar:

NM_007194.4(CHEK2):c.1558A>C (p.Lys520Gln)

Gene: CHEK2 (checkpoint kinase 2; minus strand). Cytogenetic location: 22q12.1.
Variant type: single nucleotide variant.
Coding change: c.1558A>C on transcript NM_007194.4 (MANE Select); coding-DNA position 1558, A replaced by C.
Protein change: p.Lys520Gln; replaces lysine 520 with glutamine.
Molecular consequence: missense variant.
Genome position (GRCh38, 1-based): chr22:28,687,971, T>G on the plus strand (A>C on the coding strand, the complement: CHEK2 is on the minus strand). VCF-style: chr22-28687971-T-G. GRCh37 (hg19) VCF-style: chr22-29083959-T-G.
Other names: c.1687A>C, p.Lys563Gln (NM_001005735.3); c.895A>C, p.Lys299Gln (NM_001257387.3); c.1357A>C, p.Lys453Gln (NM_001349956.3); c.1471A>C, p.Lys491Gln (NM_145862.3); short protein forms K520Q, K453Q, K299Q, K563Q, K491Q.
Identifiers: ClinVar variation 479591 (VCV000479591.8), dbSNP rs1555911613, ClinGen allele CA411091417.

ClinVar aggregate classification (germline): Uncertain significance. Review status: criteria provided, multiple submitters, no conflicts (2 of 4 stars). 2 submissions from 2 submitters: Uncertain significance (2). Last evaluated 2025-08-18.

Conditions:
Hereditary cancer-predisposing syndrome. Also called: Hereditary Cancer Syndrome; Neoplastic Syndromes, Hereditary; Tumor predisposition; Hereditary neoplastic syndrome. Identifiers: Orphanet 140162, MedGen C0027672, MeSH D009386, MONDO:0015356.
Familial cancer of breast. Also called: BREAST CANCER, FAMILIAL; Hereditary breast cancer; hereditary breast carcinoma. Identifiers: Orphanet 227535, MedGen C0346153, MONDO:0016419, OMIM 114480. Disease mechanism: loss of function.

Submissions (2):

Labcorp Genetics (formerly Invitae), Labcorp
Classification: Uncertain significance for Familial cancer of breast. Last evaluated: 2025-08-18. Review status: criteria provided, single submitter. Criteria: Invitae Variant Classification Sherloc (09022015). Collection method: clinical testing. Allele origin: germline.
Comment: This sequence change replaces lysine, which is basic and polar, with glutamine, which is neutral and polar, at codon 520 of the CHEK2 protein (p.Lys520Gln). This variant is not present in population databases (gnomAD no frequency). This variant has not been reported in the literature in individuals affected with CHEK2-related conditions. ClinVar contains an entry for this variant (Variation ID: 479591). An algorithm developed to predict the effect of missense changes on protein structure and function (PolyPhen-2) suggests that this variant is likely to be disruptive. In summary, the available evidence is currently insufficient to determine the role of this variant in disease. Therefore, it has been classified as a Variant of Uncertain Significance.

Ambry Genetics
Classification: Uncertain significance for Hereditary cancer-predisposing syndrome. Last evaluated: 2017-01-03. Review status: criteria provided, single submitter. Criteria: Ambry Variant Classification Scheme 2023. Collection method: clinical testing. Allele origin: germline.
Comment: The p.K520Q variant (also known as c.1558A>C), located in coding exon 14 of the CHEK2 gene, results from an A to C substitution at nucleotide position 1558. The lysine at codon 520 is replaced by glutamine, an amino acid with similar properties. This amino acid position is highly conserved in available vertebrate species. In addition, this alteration is predicted to be tolerated by in silico analysis. Since supporting evidence is limited at this time, the clinical significance of this alteration remains unclear.